The following is an entry in ClinVar:

ClinVar aggregate classification (germline): Uncertain significance (1 of 4 stars; one submission).

Conditions:
Hypermethioninemia with deficiency of S-adenosylhomocysteine hydrolase. Identifiers: Orphanet 88618, MedGen C3151058, MONDO:0013404, OMIM 613752.

Allele frequency attached by ClinVar (database versions not stated): gnomAD 0.00001; gnomAD exomes 0.00001; TOPMed 0.00002.
gnomAD v4.1: 12 of 1,613,814 alleles (0.00074%); highest among the groups gnomAD compares: Admixed American, 0.0033%; no homozygotes.

Submission:

Labcorp Genetics (formerly Invitae), Labcorp
Classification: Uncertain significance for Hypermethioninemia with deficiency of S-adenosylhomocysteine hydrolase. Last evaluated: 2025-11-10. Review status: criteria provided, single submitter. Criteria: Invitae Variant Classification Sherloc (09022015). Collection method: clinical testing. Allele origin: germline.
Comment: This sequence change replaces arginine, which is basic and polar, with histidine, which is basic and polar, at codon 335 of the AHCY protein (p.Arg335His). This variant is present in population databases (no rsID available, gnomAD 0.006%). This variant has not been reported in the literature in individuals affected with AHCY-related conditions. ClinVar contains an entry for this variant (Variation ID: 2154277). Invitae Evidence Modeling of protein sequence and biophysical properties (such as structural, functional, and spatial information, amino acid conservation, physicochemical variation, residue mobility, and thermodynamic stability) indicates that this missense variant is not expected to disrupt AHCY protein function with a negative predictive value of 95%. In summary, the available evidence is currently insufficient to determine the role of this variant in disease. Therefore, it has been classified as a Variant of Uncertain Significance.

NM_000687.4(AHCY):c.1004G>A (p.Arg335His)

Gene: AHCY (adenosylhomocysteinase; minus strand). Cytogenetic location: 20q11.22.
Variant type: single nucleotide variant.
Coding change: c.1004G>A on transcript NM_000687.4 (MANE Select); coding-DNA position 1004, G replaced by A.
Protein change: p.Arg335His; replaces arginine 335 with histidine.
Molecular consequence: missense variant.
Genome position (GRCh38, 1-based): chr20:34,285,603, C>T on the plus strand (G>A on the coding strand, the complement: AHCY is on the minus strand). VCF-style: chr20-34285603-C-T. GRCh37 (hg19) VCF-style: chr20-32873409-C-T.
Other names: c.920G>A, p.Arg307His (NM_001161766.2, NM_001322084.2, NM_001322085.2); c.1010G>A, p.Arg337His (NM_001322086.2); c.1004G>A, p.Arg335His (NM_001362750.2); short protein forms R307H, R335H, R337H.
Identifiers: ClinVar variation 2154277 (VCV002154277.4), dbSNP rs867752341, ClinGen allele CA313345663.